The following is an entry in ClinVar:

NM_024422.6(DSC2):c.1022G>T (p.Cys341Phe)

Gene: DSC2 (desmocollin 2; minus strand). Cytogenetic location: 18q12.1.
Variant type: single nucleotide variant.
Coding change: c.1022G>T on transcript NM_024422.6 (MANE Select); coding-DNA position 1022, G replaced by T.
Protein change: p.Cys341Phe; replaces cysteine 341 with phenylalanine.
Molecular consequence: missense variant.
Genome position (GRCh38, 1-based): chr18:31,082,981, C>A on the plus strand (G>T on the coding strand, the complement: DSC2 is on the minus strand). VCF-style: chr18-31082981-C-A. GRCh37 (hg19) VCF-style: chr18-28662947-C-A.
Other names: c.593G>T, p.Cys198Phe (NM_001406506.1, NM_001406507.1); c.1022G>T, p.Cys341Phe (NM_004949.5); short protein forms C198F, C341F.
Identifiers: ClinVar variation 2739300 (VCV002739300.3), dbSNP rs1987278965, ClinGen allele CA402110605.

ClinVar aggregate classification (germline): Uncertain significance (1 of 4 stars; one submission).

Conditions:
Arrhythmogenic right ventricular dysplasia 11. Also called: ARRHYTHMOGENIC RIGHT VENTRICULAR DYSPLASIA, FAMILIAL, 11; Arrhythmogenic Right Ventricular Dysplasia/Cardiomyopathy11; Arrhythmogenic right ventricular dysplasia 11 with mild palmoplantar keratoderma and woolly hair. Identifiers: MedGen C1864850, MONDO:0012506, OMIM 610476.

Allele frequency attached by ClinVar (database versions not stated): TOPMed below 0.00001.

Submission:

Labcorp Genetics (formerly Invitae), Labcorp
Classification: Uncertain significance for Arrhythmogenic right ventricular dysplasia 11. Last evaluated: 2023-03-07. Review status: criteria provided, single submitter. Criteria: Invitae Variant Classification Sherloc (09022015). Collection method: clinical testing. Allele origin: germline.
Comment: This sequence change replaces cysteine, which is neutral and slightly polar, with phenylalanine, which is neutral and non-polar, at codon 341 of the DSC2 protein (p.Cys341Phe). This variant is not present in population databases (gnomAD no frequency). This variant has not been reported in the literature in individuals affected with DSC2-related conditions. Advanced modeling of protein sequence and biophysical properties (such as structural, functional, and spatial information, amino acid conservation, physicochemical variation, residue mobility, and thermodynamic stability) has been performed at Invitae for this missense variant, however the output from this modeling did not meet the statistical confidence thresholds required to predict the impact of this variant on DSC2 protein function. In summary, the available evidence is currently insufficient to determine the role of this variant in disease. Therefore, it has been classified as a Variant of Uncertain Significance.